The following is an entry in ClinVar:

NM_001382430.1(AKT1):c.422C>T (p.Pro141Leu)

Gene: AKT1 (AKT serine/threonine kinase 1; minus strand). Cytogenetic location: 14q32.33.
Variant type: single nucleotide variant.
Coding change: c.422C>T on transcript NM_001382430.1 (MANE Select); coding-DNA position 422, C replaced by T.
Protein change: p.Pro141Leu; replaces proline 141 with leucine.
Molecular consequence: missense variant.
Genome position (GRCh38, 1-based): chr14:104,775,665, G>A on the plus strand (C>T on the coding strand, the complement: AKT1 is on the minus strand). VCF-style: chr14-104775665-G-A. GRCh37 (hg19) VCF-style: chr14-105242002-G-A.
Other names: c.422C>T, p.Pro141Leu (NM_001014431.2, NM_001014432.2, NM_001382431.1 and 3 more transcripts); short protein forms P141L.
Identifiers: ClinVar variation 1495779 (VCV001495779.8), dbSNP rs2140921941, ClinGen allele CA391219952.
Genomic context (GRCh38, chr14:104,775,665, plus strand): 5'-AGTCCAAGGCAGCCCCAGGCACAGGCAGAAGTGGGGACAGGCCTCACCACGCGGTGCTTG[G>A]GCTTGGCCAGGGACACCTCCATCTCTTCAGCCCCTGAGTTGTCACTGGGTGAGCCCGACC-3'
Protein context (NP_001369359.1, residues 131-151): AEEMEVSLAK[Pro141Leu]KHRVTMNEFE

ClinVar aggregate classification (germline): Uncertain significance (1 of 4 stars; one submission).

Conditions:
Cowden syndrome 6 (CWS6). Identifiers: Orphanet 201, MedGen C3554519, MONDO:0014048, OMIM 615109.

Allele frequency attached by ClinVar (database versions not stated): gnomAD exomes below 0.00001.
gnomAD v4.1: 1 of 1,613,992 alleles (0.000062%); highest among the groups gnomAD compares: South Asian, 0.0011%; no homozygotes.

Submission:

Labcorp Genetics (formerly Invitae), Labcorp
Classification: Uncertain significance for Cowden syndrome 6. Last evaluated: 2023-07-10. Review status: criteria provided, single submitter. Criteria: Invitae Variant Classification Sherloc (09022015). Collection method: clinical testing. Allele origin: germline.
Comment: This variant has not been reported in the literature in individuals affected with AKT1-related conditions. This sequence change replaces proline, which is neutral and non-polar, with leucine, which is neutral and non-polar, at codon 141 of the AKT1 protein (p.Pro141Leu). This variant is not present in population databases (gnomAD no frequency). ClinVar contains an entry for this variant (Variation ID: 1495779). An algorithm developed to predict the effect of missense changes on protein structure and function (PolyPhen-2) suggests that this variant is likely to be tolerated. In summary, the available evidence is currently insufficient to determine the role of this variant in disease. Therefore, it has been classified as a Variant of Uncertain Significance.